The following is an entry in ClinVar:

ClinVar aggregate classification (germline): Pathogenic (1 of 4 stars; one submission).

Conditions:
Hereditary breast ovarian cancer syndrome. Also called: BRCA1- and BRCA2-Associated Hereditary Breast and Ovarian Cancer; Hereditary breast and ovarian cancer syndrome; Hereditary breast and ovarian cancer; Hereditary breast and ovarian cancer syndrome (HBOC); Breast and ovarian cancer; Hereditary breast and/or ovarian cancer syndrome. Identifiers: Orphanet 145, MedGen C0677776, MeSH D061325, MONDO:0003582. Disease mechanism: loss of function.

Submission:

Labcorp Genetics (formerly Invitae), Labcorp
Classification: Pathogenic for Hereditary breast ovarian cancer syndrome. Last evaluated: 2021-11-05. Review status: criteria provided, single submitter. Criteria: Invitae Variant Classification Sherloc (09022015). Collection method: clinical testing. Allele origin: germline.
Comment: For these reasons, this variant has been classified as Pathogenic. This variant has not been reported in the literature in individuals affected with BRCA2-related conditions. This variant is not present in population databases (gnomAD no frequency). This sequence change creates a premature translational stop signal (p.Arg3005Aspfs*23) in the BRCA2 gene. It is expected to result in an absent or disrupted protein product. Loss-of-function variants in BRCA2 are known to be pathogenic (PMID: 20104584).

Literature cited by the submitters: PubMed 20104584.

NM_000059.4(BRCA2):c.9012del (p.Arg3005fs)

Gene: BRCA2 (BRCA2 DNA repair associated; plus strand). Cytogenetic location: 13q13.1.
Variant type: Deletion.
Coding change: c.9012del on transcript NM_000059.4 (MANE Select); coding-DNA position 9012, one base deleted (G; older notation c.9012delG).
Protein change: p.Arg3005fs; shifts the reading frame from arginine 3005.
Molecular consequence: frameshift variant.
Genome position (GRCh38, 1-based): chr13:32,379,808, G deleted. VCF-style (leftmost placement, unchanged base first): chr13-32379807-AG-A. GRCh37 (hg19) VCF-style: chr13-32953944-AG-A.
Other names: short protein forms R3005fs.
Identifiers: ClinVar variation 1439569 (VCV001439569.6), dbSNP rs2137622570, ClinGen allele CA2573149233.